The following is an entry in ClinVar:

ClinVar aggregate classification (germline): Pathogenic/Likely pathogenic. Review status: criteria provided, multiple submitters, no conflicts (2 of 4 stars). 6 submissions from 6 submitters: Pathogenic (1); Likely pathogenic (5). Last evaluated 2026-01-12.

Conditions:
Hereditary cancer-predisposing syndrome. Also called: Tumor predisposition; Neoplastic Syndromes, Hereditary; Hereditary Cancer Syndrome; Hereditary neoplastic syndrome. Identifiers: Orphanet 140162, MedGen C0027672, MeSH D009386, MONDO:0015356.
Ataxia-telangiectasia syndrome (AT). Also called: Cerebello-oculocutaneous telangiectasia; Immunodeficiency with ataxia telangiectasia; AT, COMPLEMENTATION GROUP C; Ataxia-telangiectasia, complementation group E; Ataxia telangiectasia (A-T); LOUIS-BAR SYNDROME. Identifiers: Orphanet 100, MedGen C0004135, MONDO:0008840, OMIM 208900.
Familial cancer of breast. Also called: Hereditary breast cancer; BREAST CANCER, FAMILIAL; hereditary breast carcinoma. Identifiers: Orphanet 227535, MedGen C0346153, MONDO:0016419, OMIM 114480. Disease mechanism: loss of function.

Allele frequency attached by ClinVar (database versions not stated): gnomAD 0.00001; gnomAD exomes below 0.00001.
gnomAD v4.1: 2 of 520,110 alleles (0.00038%); highest among the groups gnomAD compares: Non-Finnish European, 0.00033%; no homozygotes.

Submissions (6):

Myriad Genetics, Inc.
Classification: Likely pathogenic for Familial cancer of breast. Last evaluated: 2026-01-12. Review status: criteria provided, single submitter. Criteria: Myriad Autosomal Dominant, Autosomal Recessive and X-Linked Classification Criteria (2023). Collection method: clinical testing. Allele origin: unknown.
Comment: This variant is considered likely pathogenic. This variant has been reported in an individual with clinical features of gene-specific disease [PMID: 15643608]. Functional studies indicate this variant impacts protein function [PMID: 15643608, 17389389, 37438524].

Ambry Genetics
Classification: Likely pathogenic for Hereditary cancer-predisposing syndrome. Last evaluated: 2025-06-24. Review status: criteria provided, single submitter. Criteria: Ambry Variant Classification Scheme 2023. Collection method: clinical testing. Allele origin: germline.
Comment: The c.3994-159A>G intronic variant results from an A to G substitution 159 nucleotides upstream from coding exon 26 in the ATM gene. This alteration has been reported in an individual with ataxia-telangiectasia (A-T) (Coutinho G et al. Hum. Mutat. 2005 Feb;25:118-24). In silico splice site analysis predicts that this alteration may result in the creation or strengthening of a novel splice acceptor site. RNA analyses have shown that this alteration causes aberrant splicing with the retention of intronic sequences in the mRNA (Coutinho G et al. Hum. Mutat. 2005 Feb;25:118-24; Ambry internal data). Of note, this alteration is also designated as IVS28-159A>G in published literature. This variant is considered to be rare based on population cohorts in the Genome Aggregation Database (gnomAD). Based on the majority of available evidence to date, this variant is likely to be pathogenic.

Color Diagnostics, LLC DBA Color Health
Classification: Likely pathogenic for Hereditary cancer-predisposing syndrome. Last evaluated: 2024-12-11. Review status: criteria provided, single submitter. Criteria: ACMG Guidelines, 2015. Collection method: clinical testing. Allele origin: germline.
Comment: This variant, also known as IVS28-159A>G, alters a nucleotide in intron 26 of ATM. RNA studies have shown that this variant activates a cryptic splice site and leads to intron retention (PMID: 15643608, 37438524; ClinVar Accession: SCV000261056.7, SCV001183239.5). The aberrant transcripts create a frameshift and premature translation stop signal which is expected to result in an absent or non-functional protein product. This variant has been reported with a likely pathogenic co-variant in an individual affected with ataxia-telangiectasia (PMID: 15643608, 37438524; ClinVar Accession: SCV000261056.7). This variant has not been identified in the general population by the Genome Aggregation Database (gnomAD). Loss of ATM function is a known mechanism of disease. Based on the available evidence, this variant is classified as Likely Pathogenic.

Labcorp Genetics (formerly Invitae), Labcorp
Classification: Pathogenic for Ataxia-telangiectasia syndrome. Last evaluated: 2024-08-04. Review status: criteria provided, single submitter. Criteria: Invitae Variant Classification Sherloc (09022015). Collection method: clinical testing. Allele origin: germline.
Comment: This sequence change falls in intron 26 of the ATM gene. It does not directly change the encoded amino acid sequence of the ATM protein. RNA analysis indicates that this variant induces altered splicing and may result in an absent or altered protein product. This variant is not present in population databases (gnomAD no frequency). This variant has been observed in individuals with ataxia telangiectasia (PMID: 15643608; Invitae). This variant is also known as IVS28–159A>G. ClinVar contains an entry for this variant (Variation ID: 220483). Studies have shown that this variant results in activation of a cryptic splice site, and produces a non-functional protein and/or introduces a premature termination codon (PMID: 15643608; Invitae). For these reasons, this variant has been classified as Pathogenic.

GeneDx
Classification: Likely pathogenic. Last evaluated: 2024-02-27. Review status: criteria provided, single submitter. Criteria: GeneDx Variant Classification Process June 2021. Collection method: clinical testing. Allele origin: germline. Affected: yes.
Comment: Non-canonical splice site variant demonstrated to result in aberrant transcripts containing intronic sequences leading to loss of function (PMID: 15643608, 37438524); In silico analysis suggests this variant may impact gene splicing; No data available from control populations to assess the frequency of this variant; This variant is associated with the following publications: (PMID: 19823873, 37438524, 35145552, 17389389, 32899500, 35140743, 24506781, 15643608)

Department of Pathology and Laboratory Medicine, Sinai Health System
Classification: Likely pathogenic for Familial cancer of breast; Ataxia-telangiectasia syndrome. Review status: criteria provided, single submitter. Criteria: ACMG Guidelines, 2015. Collection method: clinical testing. Allele origin: germline.

Literature cited by the submitters: PubMed 15643608 (cited by 4 submitters); PubMed 17389389 (cited by Myriad Genetics, Inc.); PubMed 37438524 (cited by Myriad Genetics, Inc. and Color Diagnostics, LLC DBA Color Health); PubMed 19823873 (cited by Ambry Genetics).

NM_000051.4(ATM):c.3994-159A>G

Gene: ATM (ATM serine/threonine kinase; plus strand). Cytogenetic location: 11q22.3.
Variant type: single nucleotide variant.
Coding change: c.3994-159A>G on transcript NM_000051.4 (MANE Select); 159 bases into the intron before coding-DNA position 3994, A replaced by G.
Molecular consequence: intron variant.
Genome position (GRCh38, 1-based): chr11:108,287,441, A>G. VCF-style: chr11-108287441-A-G. GRCh37 (hg19) VCF-style: chr11-108158168-A-G.
Other names: c.3994-159A>G (NM_001351834.2).
Identifiers: ClinVar variation 220483 (VCV000220483.18), dbSNP rs864622543, ClinGen allele CA349592.